The following is an entry in ClinVar:

NM_000257.4(MYH7):c.90T>G (p.Pro30=)

Gene: MYH7 (myosin heavy chain 7; minus strand). Cytogenetic location: 14q11.2.
Variant type: single nucleotide variant.
Coding change: c.90T>G on transcript NM_000257.4 (MANE Select); coding-DNA position 90, T replaced by G.
Protein change: p.Pro30=; no amino-acid change (proline 30 retained).
Molecular consequence: synonymous variant.
Genome position (GRCh38, 1-based): chr14:23,433,643, A>C on the plus strand (T>G on the coding strand, the complement: MYH7 is on the minus strand). VCF-style: chr14-23433643-A-C. GRCh37 (hg19) VCF-style: chr14-23902852-A-C.
Other names: c.90T>G, p.Pro30= (NM_001407004.1).
Identifiers: ClinVar variation 2773976 (VCV002773976.4), dbSNP rs1893038377, ClinGen allele CA485627153.

ClinVar aggregate classification (germline): Likely benign. Review status: criteria provided, multiple submitters, no conflicts (2 of 4 stars). 3 submissions from 3 submitters: Likely benign (3). Last evaluated 2024-11-27.

Conditions:
Cardiovascular phenotype. Identifiers: MedGen CN230736.
Cardiomyopathy (CMYO). Also called: Cardiomyopathies. Identifiers: Orphanet 167848, MedGen C0878544, MONDO:0004994, HP:0001638. Inheritance: Various modes of inheritance.

Allele frequency attached by ClinVar (database versions not stated): gnomAD exomes below 0.00001; gnomAD 0.00001; TOPMed 0.00001.
gnomAD v4.1: 2 of 1,614,130 alleles (0.00012%); highest among the groups gnomAD compares: Non-Finnish European, 0.00017%; no homozygotes.

Submissions (3):

Ambry Genetics
Classification: Likely benign for Cardiovascular phenotype. Last evaluated: 2024-11-27. Review status: criteria provided, single submitter. Criteria: Ambry Variant Classification Scheme 2023. Collection method: clinical testing. Allele origin: germline.

All of Us Research Program, National Institutes of Health
Classification: Likely benign for Cardiomyopathy. Last evaluated: 2023-10-27. Review status: criteria provided, single submitter. Criteria: ACMG Guidelines, 2015. Collection method: clinical testing. Allele origin: germline. Inheritance: Autosomal dominant inheritance. Observed: 1 variant allele, 1 heterozygote.
Comment: This study involves interpretation of variants in research participants for the purpose of population health screening. Participant phenotype was not available at the time of variant classification. Additional details can be found in publication PMID: 35346344, PMCID: PMC8962531

Color Diagnostics, LLC DBA Color Health
Classification: Likely benign for Cardiomyopathy. Last evaluated: 2023-10-18. Review status: criteria provided, single submitter. Criteria: ACMG Guidelines, 2015. Collection method: clinical testing. Allele origin: germline.